The following is an entry in ClinVar:

NM_015202.5(KATNIP):c.2927G>A (p.Arg976His)

Gene: KATNIP (katanin interacting protein; plus strand). Cytogenetic location: 16p12.1.
Variant type: single nucleotide variant.
Coding change: c.2927G>A on transcript NM_015202.5 (MANE Select); coding-DNA position 2927, G replaced by A.
Protein change: p.Arg976His; replaces arginine 976 with histidine.
Molecular consequence: missense variant.
Genome position (GRCh38, 1-based): chr16:27,749,887, G>A. VCF-style: chr16-27749887-G-A. GRCh37 (hg19) VCF-style: chr16-27761208-G-A.
Other names: short protein forms R976H.
Identifiers: ClinVar variation 3112869 (VCV003112869.3), dbSNP rs755152073, ClinGen allele CA7978103.

ClinVar aggregate classification (germline): Conflicting classifications of pathogenicity. Review status: criteria provided, conflicting classifications (1 of 4 stars). 3 submissions from 3 submitters: Uncertain significance (2); Likely benign (1). Last evaluated 2025-11-26.

Allele frequency attached by ClinVar (database versions not stated): gnomAD 0.00001; gnomAD exomes 0.00002; TOPMed 0.00002; ExAC 0.00004.
gnomAD v4.1: 31 of 1,614,158 alleles (0.0019%); highest among the groups gnomAD compares: Middle Eastern, 0.016%; no homozygotes.

Submissions (3):

Labcorp Genetics (formerly Invitae), Labcorp
Classification: Uncertain significance. Last evaluated: 2025-11-26. Review status: criteria provided, single submitter. Criteria: Invitae Variant Classification Sherloc (09022015). Collection method: clinical testing. Allele origin: germline.
Comment: This sequence change replaces arginine, which is basic and polar, with histidine, which is basic and polar, at codon 976 of the KIAA0556 protein (p.Arg976His). This variant is present in population databases (rs755152073, gnomAD 0.01%). This variant has not been reported in the literature in individuals affected with KIAA0556-related conditions. ClinVar contains an entry for this variant (Variation ID: 3112869). An algorithm developed to predict the effect of missense changes on protein structure and function outputs the following: PolyPhen-2: "Benign". The histidine amino acid residue is found in multiple mammalian species, which suggests that this missense change does not adversely affect protein function. In summary, the available evidence is currently insufficient to determine the role of this variant in disease. Therefore, it has been classified as a Variant of Uncertain Significance.

Blueprint Genetics
Classification: Uncertain significance. Last evaluated: 2024-10-03. Review status: criteria provided, single submitter. Criteria: ACMG Guidelines, 2015. Collection method: clinical testing. Allele origin: germline.

Ambry Genetics
Classification: Likely benign. Last evaluated: 2022-11-30. Review status: criteria provided, single submitter. Criteria: Ambry Variant Classification Scheme 2023. Collection method: clinical testing. Allele origin: germline.